The following is an entry in ClinVar:

NM_001018005.2(TPM1):c.203A>G (p.Gln68Arg)

Gene: TPM1 (tropomyosin 1; plus strand). Cytogenetic location: 15q22.2.
Variant type: single nucleotide variant.
Coding change: c.203A>G on transcript NM_001018005.2 (MANE Select); coding-DNA position 203, A replaced by G.
Protein change: p.Gln68Arg; replaces glutamine 68 with arginine.
Molecular consequence: missense variant. On other transcripts: intron variant (3).
Genome position (GRCh38, 1-based): chr15:63,044,115, A>G. VCF-style: chr15-63044115-A-G. GRCh37 (hg19) VCF-style: chr15-63336314-A-G.
Other names: c.203A>G, p.Gln68Arg (NM_000366.6, NM_001018004.2, NM_001018006.2 and 3 more transcripts); c.329A>G, p.Gln110Arg (NM_001365778.1); c.240+284A>G (NM_001018020.2, NM_001018007.2, NM_001301244.2); short protein forms Q110R, Q68R.
Identifiers: ClinVar variation 1490086 (VCV001490086.6), dbSNP rs2140629082, ClinGen allele CA392718670.
Genomic context (GRCh38, chr15:63,044,115, plus strand): 5'-AGAAACTCAAGGGCACCGAAGATGAACTGGACAAATACTCTGAGGCTCTCAAAGATGCCC[A>G]GGAGAAGCTGGAGCTGGCAGAGAAAAAGGCCACCGATGTAAGTGCACGCTCACACTGCTT-3'
Protein context (NP_001018005.1, residues 58-78): DKYSEALKDA[Gln68Arg]EKLELAEKKA

ClinVar aggregate classification (germline): Uncertain significance (1 of 4 stars; one submission).

Conditions:
Hypertrophic cardiomyopathy. Also called: HYPERTROPHIC MYOCARDIOPATHY. Identifiers: Orphanet 217569, MedGen C0007194, MeSH D002312, MONDO:0005045, HP:0001639.

Submission:

Labcorp Genetics (formerly Invitae), Labcorp
Classification: Uncertain significance for Hypertrophic cardiomyopathy. Last evaluated: 2025-09-19. Review status: criteria provided, single submitter. Criteria: Invitae Variant Classification Sherloc (09022015). Collection method: clinical testing. Allele origin: germline.
Comment: This sequence change replaces glutamine, which is neutral and polar, with arginine, which is basic and polar, at codon 68 of the TPM1 protein (p.Gln68Arg). This variant is not present in population databases (gnomAD no frequency). This missense change has been observed in individuals with hypertrophic cardiomyopathy (PMID: 38223010; internal data). It has also been observed to segregate with disease in related individuals. ClinVar contains an entry for this variant (Variation ID: 1490086). An algorithm developed to predict the effect of missense changes on protein structure and function (PolyPhen-2) suggests that this variant is likely to be tolerated. In summary, the available evidence is currently insufficient to determine the role of this variant in disease. Therefore, it has been classified as a Variant of Uncertain Significance.

Literature cited by the submitters: PubMed 38223010.